The following is an entry in ClinVar:

NM_004260.4(RECQL4):c.490G>C (p.Glu164Gln)

Gene: RECQL4 (RecQ like helicase 4; minus strand). Cytogenetic location: 8q24.3.
Variant type: single nucleotide variant.
Coding change: c.490G>C on transcript NM_004260.4 (MANE Select); coding-DNA position 490, G replaced by C.
Protein change: p.Glu164Gln; replaces glutamic acid 164 with glutamine.
Molecular consequence: missense variant.
Genome position (GRCh38, 1-based): chr8:144,516,629, C>G on the plus strand (G>C on the coding strand, the complement: RECQL4 is on the minus strand). VCF-style: chr8-144516629-C-G. GRCh37 (hg19) VCF-style: chr8-145742013-C-G.
Other names: short protein forms E164Q.
Identifiers: ClinVar variation 407026 (VCV000407026.7), dbSNP rs576735078, ClinGen allele CA4949276.

ClinVar aggregate classification (germline): Uncertain significance. Review status: criteria provided, multiple submitters, no conflicts (2 of 4 stars). 2 submissions from 2 submitters: Uncertain significance (2). Last evaluated 2026-01-10.

Conditions:
Baller-Gerold syndrome (BGS). Also called: CRANIOSYNOSTOSIS WITH RADIAL DEFECTS. Identifiers: Orphanet 1225, MedGen C0265308, MONDO:0009039, OMIM 218600.
Inborn genetic diseases. Identifiers: MedGen C0950123, MeSH D030342.

Allele frequency attached by ClinVar (database versions not stated): TOPMed 0.00001; 1000 Genomes Project 0.00040; 1000 Genomes Project 30x 0.00031.
gnomAD v4.1: 4 of 1,610,564 alleles (0.00025%); highest among the groups gnomAD compares: Admixed American, 0.0017%; no homozygotes.

Submissions (2):

Ambry Genetics
Classification: Uncertain significance for Inborn genetic diseases. Last evaluated: 2026-01-10. Review status: criteria provided, single submitter. Criteria: Ambry Variant Classification Scheme 2023. Collection method: clinical testing. Allele origin: germline.
Comment: The p.E164Q variant (also known as c.490G>C), located in coding exon 5 of the RECQL4 gene, results from a G to C substitution at nucleotide position 490. The glutamic acid at codon 164 is replaced by glutamine, an amino acid with highly similar properties. This amino acid position is conserved. In addition, this alteration is predicted to be tolerated by in silico analysis. Based on the available evidence, the clinical significance of this variant remains unclear.

Labcorp Genetics (formerly Invitae), Labcorp
Classification: Uncertain significance for Baller-Gerold syndrome. Last evaluated: 2023-09-01. Review status: criteria provided, single submitter. Criteria: Invitae Variant Classification Sherloc (09022015). Collection method: clinical testing. Allele origin: germline.
Comment: This sequence change replaces glutamic acid, which is acidic and polar, with glutamine, which is neutral and polar, at codon 164 of the RECQL4 protein (p.Glu164Gln). This variant is present in population databases (rs576735078, gnomAD 0.009%). This variant has not been reported in the literature in individuals affected with RECQL4-related conditions. ClinVar contains an entry for this variant (Variation ID: 407026). Experimental studies and prediction algorithms are not available or were not evaluated, and the functional significance of this variant is currently unknown. In summary, the available evidence is currently insufficient to determine the role of this variant in disease. Therefore, it has been classified as a Variant of Uncertain Significance.